The following is an entry in ClinVar:

NM_020699.4(GATAD2B):c.1504A>G (p.Ile502Val)

Gene: GATAD2B (GATA zinc finger domain containing 2B; minus strand). Cytogenetic location: 1q21.3.
Variant type: single nucleotide variant.
Coding change: c.1504A>G on transcript NM_020699.4 (MANE Select); coding-DNA position 1504, A replaced by G.
Protein change: p.Ile502Val; replaces isoleucine 502 with valine.
Molecular consequence: missense variant.
Genome position (GRCh38, 1-based): chr1:153,812,048, T>C on the plus strand (A>G on the coding strand, the complement: GATAD2B is on the minus strand). VCF-style: chr1-153812048-T-C. GRCh37 (hg19) VCF-style: chr1-153784524-T-C.
Other names: short protein forms I502V.
Identifiers: ClinVar variation 2838507 (VCV002838507.3), dbSNP rs2525233982, ClinGen allele CA342581140.

ClinVar aggregate classification (germline): Uncertain significance (1 of 4 stars; one submission).

Submission:

Labcorp Genetics (formerly Invitae), Labcorp
Classification: Uncertain significance. Last evaluated: 2023-02-17. Review status: criteria provided, single submitter. Criteria: Invitae Variant Classification Sherloc (09022015). Collection method: clinical testing. Allele origin: germline.
Comment: In summary, the available evidence is currently insufficient to determine the role of this variant in disease. Therefore, it has been classified as a Variant of Uncertain Significance. Advanced modeling of protein sequence and biophysical properties (such as structural, functional, and spatial information, amino acid conservation, physicochemical variation, residue mobility, and thermodynamic stability) performed at Invitae indicates that this missense variant is not expected to disrupt GATAD2B protein function. This variant has not been reported in the literature in individuals affected with GATAD2B-related conditions. This variant is not present in population databases (gnomAD no frequency). This sequence change replaces isoleucine, which is neutral and non-polar, with valine, which is neutral and non-polar, at codon 502 of the GATAD2B protein (p.Ile502Val).